The following is an entry in ClinVar:

NM_006267.5(RANBP2):c.2198A>G (p.Lys733Arg)

Gene: RANBP2 (RAN binding protein 2; plus strand). Cytogenetic location: 2q13.
Variant type: single nucleotide variant.
Coding change: c.2198A>G on transcript NM_006267.5 (MANE Select); coding-DNA position 2198, A replaced by G.
Protein change: p.Lys733Arg; replaces lysine 733 with arginine.
Molecular consequence: missense variant.
Genome position (GRCh38, 1-based): chr2:108,753,967, A>G. VCF-style: chr2-108753967-A-G. GRCh37 (hg19) VCF-style: chr2-109370423-A-G.
Other names: short protein forms K733R.
Identifiers: ClinVar variation 855184 (VCV000855184.7), dbSNP rs1251882959, ClinGen allele CA348054633.
Genomic context (GRCh38, chr2:108,753,967, plus strand): 5'-AGACCAGGGACTACCTAATAAAGATTATAGATGACAGTGATTCAAATCTTTCAGTGGTCA[A>G]GAAAGTAAGTAGCAGGTTGTTGTATGTACGTTCTTACTGATAACCCACTGGTCAATGTTT-3'
Protein context (NP_006258.3, residues 723-743): DDSDSNLSVV[Lys733Arg]KLPVPLESVK

ClinVar aggregate classification (germline): Uncertain significance (1 of 4 stars; one submission).

Conditions:
Familial acute necrotizing encephalopathy (IIAE3). Also called: ENCEPHALOPATHY, ACUTE, INFECTION-INDUCED, SUSCEPTIBILITY TO, 3; Susceptibility to Acute Necrotizing Encephalopathy 1. Identifiers: Orphanet 88619, MedGen C2675556, MONDO:0011953, OMIM 608033.

Allele frequency attached by ClinVar (database versions not stated): gnomAD 0.00001 and 0.00002; TOPMed 0.00001; gnomAD exomes 0.00002.
gnomAD v4.1: 33 of 1,611,952 alleles (0.002%); highest among the groups gnomAD compares: East Asian, 0.0045%; no homozygotes.

Submission:

Labcorp Genetics (formerly Invitae), Labcorp
Classification: Uncertain significance for Familial acute necrotizing encephalopathy. Last evaluated: 2019-03-06. Review status: criteria provided, single submitter. Criteria: Invitae Variant Classification Sherloc (09022015). Collection method: clinical testing. Allele origin: germline.
Comment: In summary, the available evidence is currently insufficient to determine the role of this variant in disease. Therefore, it has been classified as a Variant of Uncertain Significance. Algorithms developed to predict the effect of missense changes on protein structure and function output the following: SIFT: "Tolerated"; PolyPhen-2: "Benign"; Align-GVGD: "Class C0". The arginine amino acid residue is found in multiple mammalian species, suggesting that this missense change does not adversely affect protein function. These predictions have not been confirmed by published functional studies and their clinical significance is uncertain. This variant has not been reported in the literature in individuals with RANBP2-related conditions. This variant is not present in population databases (ExAC no frequency). This sequence change replaces lysine with arginine at codon 733 of the RANBP2 protein (p.Lys733Arg). The lysine residue is weakly conserved and there is a small physicochemical difference between lysine and arginine.